The following is an entry in ClinVar:

ClinVar aggregate classification (germline): Pathogenic/Likely pathogenic. Review status: criteria provided, multiple submitters, no conflicts (2 of 4 stars). 3 submissions from 3 submitters: Pathogenic (1); Likely pathogenic (1). 1 of the submissions does not count toward it. Last evaluated 2025-12-13.

Conditions:
Charcot-Marie-Tooth disease. Also called: Charcot-Marie-Tooth Hereditary Neuropathy; Charcot-Marie-Tooth Neuropathy. Identifiers: Orphanet 166, MedGen C0007959, MONDO:0015626.
Charcot-Marie-Tooth disease axonal type 2F (CMT2F). Also called: CHARCOT-MARIE-TOOTH DISEASE, NEURONAL, TYPE 2F; Charcot-Marie-Tooth Neuropathy Type 2F. Identifiers: Orphanet 99940, MedGen C1847823, MONDO:0011687, OMIM 606595.

Allele frequency attached by ClinVar (database versions not stated): gnomAD exomes 0.00001.

Submissions (3):

Labcorp Genetics (formerly Invitae), Labcorp
Classification: Pathogenic for Charcot-Marie-Tooth disease axonal type 2F. Last evaluated: 2025-12-13. Review status: criteria provided, single submitter. Criteria: Invitae Variant Classification Sherloc (09022015). Collection method: clinical testing. Allele origin: germline.
Comment: This sequence change creates a premature translational stop signal (p.Pro159Argfs*42) in the HSPB1 gene. While this is not anticipated to result in nonsense mediated decay, it is expected to disrupt the last 47 amino acid(s) of the HSPB1 protein. This variant is present in population databases (no rsID available, gnomAD 0.003%). This premature translational stop signal has been observed in individuals with clinical features of autosomal dominant distal hereditary motor neuropathy (PMID: 19435728, 22176143, 33686258, 35297556). ClinVar contains an entry for this variant (Variation ID: 637688). This variant is located in a region of the HSPB1 protein where a significant number of HSPB1 nonsense and frameshift mutations have been reported in association with autosomal dominant HSPB1-related neuropathies (PMID: 22734906, 28144995, 33686258). For these reasons, this variant has been classified as Pathogenic.

Revvity Omics, Revvity
Classification: Likely pathogenic. Last evaluated: 2019-06-08. Review status: criteria provided, single submitter. Criteria: ACMG Guidelines, 2015. Collection method: clinical testing. Allele origin: germline.

Inherited Neuropathy Consortium
Classification: Uncertain significance for Charcot-Marie-Tooth disease. Review status: no assertion criteria provided. Collection method: literature only. Allele origin: germline. Affected: yes. Not counted in ClinVar's aggregate classification.

Literature cited by the submitters: PubMed 19435728 (cited by Labcorp Genetics (formerly Invitae), Labcorp and Inherited Neuropathy Consortium); PubMed 22176143 (cited by Labcorp Genetics (formerly Invitae), Labcorp); PubMed 33686258 (cited by Labcorp Genetics (formerly Invitae), Labcorp); PubMed 35297556 (cited by Labcorp Genetics (formerly Invitae), Labcorp); PubMed 22734906 (cited by Labcorp Genetics (formerly Invitae), Labcorp); PubMed 28144995 (cited by Labcorp Genetics (formerly Invitae), Labcorp).

NM_001540.5(HSPB1):c.476_477del (p.Pro159fs)

Gene: HSPB1 (heat shock protein family B (small) member 1; plus strand). Cytogenetic location: 7q11.23.
Variant type: Deletion.
Coding change: c.476_477del on transcript NM_001540.5 (MANE Select); coding-DNA positions 476 to 477, 2 bases deleted (CT; older notation c.476_477delCT).
Protein change: p.Pro159fs; shifts the reading frame from proline 159.
Molecular consequence: frameshift variant.
Genome position (GRCh38, 1-based): chr7:76,304,031-76,304,032, CT deleted. VCF-style (leftmost placement, unchanged base first): chr7-76304030-CCT-C. GRCh37 (hg19) VCF-style: chr7-75933347-CCT-C.
Other names: c.476_477del (LRG_248t1); c.476_477delCT (NM_001540.3); short protein forms P159fs.
Identifiers: ClinVar variation 637688 (VCV000637688.8), dbSNP rs1240900244, ClinGen allele CA575786700.
Genomic context (GRCh38, chr7:76,304,030, plus strand): 5'-CTCTGCACGTCCAGGCTGCCCCCCGGTGTGGACCCCACCCAAGTTTCCTCCTCCCTGTCC[CCT>C]GAGGGCACACTGACCGTGGAGGCCCCCATGCCCAAGCTAGCCACGCAGTCCAACGAGATC-3'